The following is an entry in ClinVar:

ClinVar aggregate classification (germline): Uncertain significance (1 of 4 stars; one submission).

Conditions:
Duchenne muscular dystrophy (DMD). Also called: MUSCULAR DYSTROPHY, PSEUDOHYPERTROPHIC PROGRESSIVE, DUCHENNE TYPE; Duchenne Muscular Dystrophy (DMD). Identifiers: Orphanet 98896, MedGen C0013264, MONDO:0010679, OMIM 310200.

Submission:

Labcorp Genetics (formerly Invitae), Labcorp
Classification: Uncertain significance for Duchenne muscular dystrophy. Last evaluated: 2026-01-05. Review status: criteria provided, single submitter. Criteria: Invitae Variant Classification Sherloc (09022015). Collection method: clinical testing. Allele origin: germline.
Comment: This sequence change replaces aspartic acid, which is acidic and polar, with histidine, which is basic and polar, at codon 725 of the DMD protein (p.Asp725His). This variant is not present in population databases (gnomAD no frequency). This variant has not been reported in the literature in individuals affected with DMD-related conditions. ClinVar contains an entry for this variant (Variation ID: 3705411). Invitae Evidence Modeling of protein sequence and biophysical properties (such as structural, functional, and spatial information, amino acid conservation, physicochemical variation, residue mobility, and thermodynamic stability) indicates that this missense variant is not expected to disrupt DMD protein function with a negative predictive value of 95%. In summary, the available evidence is currently insufficient to determine the role of this variant in disease. Therefore, it has been classified as a Variant of Uncertain Significance.

NM_004006.3(DMD):c.2173G>C (p.Asp725His)

Gene: DMD (dystrophin; minus strand). Cytogenetic location: Xp21.1.
Variant type: single nucleotide variant.
Coding change: c.2173G>C on transcript NM_004006.3 (MANE Select); coding-DNA position 2173, G replaced by C.
Protein change: p.Asp725His; replaces aspartic acid 725 with histidine.
Molecular consequence: missense variant.
Genome position (GRCh38, 1-based): chrX:32,518,127, C>G on the plus strand (G>C on the coding strand, the complement: DMD is on the minus strand). VCF-style: chrX-32518127-C-G. GRCh37 (hg19) VCF-style: chrX-32536244-C-G.
Other names: c.2149G>C, p.Asp717His (NM_000109.4); c.2161G>C, p.Asp721His (NM_004009.3); c.1804G>C, p.Asp602His (NM_004010.3); short protein forms D725H, D717H, D721H, D602H.
Identifiers: ClinVar variation 3705411 (VCV003705411.2).